The following is an entry in ClinVar:

ClinVar aggregate classification (germline): Uncertain significance (1 of 4 stars; one submission).

Conditions:
NR0B2-related disorder. Also called: NR0B2-related condition.

Allele frequency attached by ClinVar (database versions not stated): ESP Exome Variant Server 0.00031; gnomAD exomes 0.00002; gnomAD 0.00006; TOPMed 0.00008; ExAC 0.00009.
gnomAD v4.1: 43 of 1,565,818 alleles (0.0027%); highest among the groups gnomAD compares: African/African-American, 0.02%; no homozygotes.

Submission:

PreventionGenetics, part of Exact Sciences
Classification: Uncertain significance for NR0B2-related condition. Last evaluated: 2025-11-22. Review status: criteria provided, single submitter. Criteria: ACMG Guidelines, 2015. Collection method: clinical testing. Allele origin: germline.
Comment: The NR0B2 c.170G>A variant is predicted to result in the amino acid substitution p.Arg57Gln. To our knowledge, this variant has not been reported in the literature. This variant is reported in 0.025% of alleles in individuals of African descent in gnomAD. An alternate nucleotide change affecting the same amino acid (p.Arg57Trp) has been reported in an individual with early-onset obesity (Nishigori et al. 2001. PubMed ID: 11136233). At this time, the clinical significance of the c.170G>A (p.Arg57Gln) variant is uncertain due to the absence of conclusive functional and genetic evidence.

NM_021969.3(NR0B2):c.170G>A (p.Arg57Gln)

Genes: NR0B2 (nuclear receptor subfamily 0 group B member 2; minus strand), NUDC (nuclear distribution C, dynein complex regulator; plus strand). Cytogenetic location: 1p36.11.
Variant type: single nucleotide variant.
Coding change: c.170G>A on transcript NM_021969.3 (MANE Select); coding-DNA position 170, G replaced by A.
Protein change: p.Arg57Gln; replaces arginine 57 with glutamine.
Molecular consequence: missense variant.
Genome position (GRCh38, 1-based): chr1:26,913,771, C>T on the plus strand (G>A on the coding strand, the complement: NR0B2 is on the minus strand). VCF-style: chr1-26913771-C-T. GRCh37 (hg19) VCF-style: chr1-27240262-C-T.
Other names: short protein forms R57Q.
Identifiers: ClinVar variation 3035646 (VCV003035646.3), dbSNP rs137897173, ClinGen allele CA709705.
Genomic context (GRCh38, chr1:26,913,771, plus strand): 5'-CAGAAGGATGGCAGGTTCCTGAGGAAGGCCACTGTCTTGGCCAGAACATCCAAGGCCTCC[C>T]GGCAGGTGCGATGAGGTGCACATAGCTGGACGGGCCGGTGCTGCCTACATAGGCAGCGGC-3'
Protein context (NP_068804.1, residues 47-67): VQLCAPHRTC[Arg57Gln]EALDVLAKTV